The following is an entry in ClinVar:

ClinVar aggregate classification (germline): Conflicting classifications of pathogenicity. Review status: criteria provided, conflicting classifications (1 of 4 stars). 2 submissions from 2 submitters: Uncertain significance (1); Likely benign (1). Last evaluated 2025-09-21.

Allele frequency attached by ClinVar (database versions not stated): gnomAD exomes below 0.00001; gnomAD 0.00002; TOPMed 0.00003.
gnomAD v4.1: 5 of 1,605,062 alleles (0.00031%); highest among the groups gnomAD compares: Admixed American, 0.0034%; no homozygotes.

Submissions (2):

Labcorp Genetics (formerly Invitae), Labcorp
Classification: Likely benign. Last evaluated: 2025-09-21. Review status: criteria provided, single submitter. Criteria: Invitae Variant Classification Sherloc (09022015). Collection method: clinical testing. Allele origin: germline.

GeneDx
Classification: Uncertain significance. Last evaluated: 2022-06-08. Review status: criteria provided, single submitter. Criteria: GeneDx Variant Classification Process June 2021. Collection method: clinical testing. Allele origin: germline. Affected: yes.
Comment: Has not been previously published as pathogenic or benign to our knowledge; In silico analysis suggests this variant may impact gene splicing. In the absence of RNA/functional studies, the actual effect of this sequence change is unknown

NM_001197104.2(KMT2A):c.5665-10T>C

Gene: KMT2A (lysine methyltransferase 2A; plus strand). Cytogenetic location: 11q23.3.
Variant type: single nucleotide variant.
Coding change: c.5665-10T>C on transcript NM_001197104.2 (MANE Select); 10 bases into the intron before coding-DNA position 5665, T replaced by C.
Molecular consequence: intron variant.
Genome position (GRCh38, 1-based): chr11:118,497,926, T>C. VCF-style: chr11-118497926-T-C. GRCh37 (hg19) VCF-style: chr11-118368641-T-C.
Other names: c.5656-10T>C (NM_005933.4).
Identifiers: ClinVar variation 1642905 (VCV001642905.9), dbSNP rs1401608038, ClinGen allele CA602140970.